The following is an entry in ClinVar:

NM_004463.3(FGD1):c.2555T>C (p.Val852Ala)

Genes: FGD1 (FYVE, RhoGEF and PH domain containing 1; minus strand), TSR2 (TSR2 ribosome maturation factor; plus strand). Cytogenetic location: Xp11.22.
Variant type: single nucleotide variant.
Coding change: c.2555T>C on transcript NM_004463.3 (MANE Select); coding-DNA position 2555, T replaced by C.
Protein change: p.Val852Ala; replaces valine 852 with alanine.
Molecular consequence: missense variant. On other transcripts: 3 prime UTR variant (5).
Genome position (GRCh38, 1-based): chrX:54,447,336, A>G on the plus strand (T>C on the coding strand, the complement: FGD1 is on the minus strand). VCF-style: chrX-54447336-A-G. GRCh37 (hg19) VCF-style: chrX-54473769-A-G.
Other names: c.*2786A>G (NM_001346789.2, NM_001346790.2, NM_001346791.2 and 2 more transcripts); short protein forms V852A.
Identifiers: ClinVar variation 1342057 (VCV001342057.3), dbSNP rs1922242924, ClinGen allele CA413358414.

ClinVar aggregate classification (germline): Uncertain significance (1 of 4 stars; one submission).

Allele frequency attached by ClinVar (database versions not stated): TOPMed 0.00001.

Submission:

GeneDx
Classification: Uncertain significance. Last evaluated: 2023-07-20. Review status: criteria provided, single submitter. Criteria: GeneDx Variant Classification Process June 2021. Collection method: clinical testing. Allele origin: germline. Affected: yes.
Comment: Not observed at significant frequency in large population cohorts (gnomAD); In silico analysis supports that this missense variant has a deleterious effect on protein structure/function; Has not been previously published as pathogenic or benign to our knowledge